The following is an entry in ClinVar:

ClinVar aggregate classification (germline): Uncertain significance (1 of 4 stars; one submission).

Conditions:
Cardiovascular phenotype. Identifiers: MedGen CN230736.

Submission:

Ambry Genetics
Classification: Uncertain significance for Cardiovascular phenotype. Last evaluated: 2020-09-01. Review status: criteria provided, single submitter. Criteria: Ambry Variant Classification Scheme 2023. Collection method: clinical testing. Allele origin: germline.
Comment: The p.S5585P variant (also known as c.16753T>C), located in coding exon 64 of the TTN gene, results from a T to C substitution at nucleotide position 16753. The serine at codon 5585 is replaced by proline, an amino acid with similar properties. This amino acid position is not well conserved in available vertebrate species, and proline is the reference amino acid in other vertebrate species. In addition, this alteration is predicted to be tolerated by in silico analysis. Since supporting evidence is limited at this time, the clinical significance of this alteration remains unclear.

NM_001267550.2(TTN):c.43948T>C (p.Ser14650Pro)

Gene: TTN (titin; minus strand). Cytogenetic location: 2q31.2.
Variant type: single nucleotide variant.
Coding change: c.43948T>C on transcript NM_001267550.2 (MANE Select); coding-DNA position 43948, T replaced by C.
Protein change: p.Ser14650Pro; replaces serine 14650 with proline.
Molecular consequence: missense variant.
Genome position (GRCh38, 1-based): chr2:178,631,100, A>G on the plus strand (T>C on the coding strand, the complement: TTN is on the minus strand). VCF-style: chr2-178631100-A-G. GRCh37 (hg19) VCF-style: chr2-179495827-A-G.
Other names: c.39025T>C, p.Ser13009Pro (NM_001256850.1); c.16753T>C, p.Ser5585Pro (NM_003319.4); c.36244T>C, p.Ser12082Pro (NM_133378.4); c.17128T>C, p.Ser5710Pro (NM_133432.3); c.17329T>C, p.Ser5777Pro (NM_133437.4); short protein forms S5777P, S12082P, S14650P, S5710P, S13009P, S5585P.
Identifiers: ClinVar variation 1777771 (VCV001777771.2), dbSNP rs2471414819, ClinGen allele CA349646720.